The following is an entry in ClinVar:

ClinVar aggregate classification (germline): Likely pathogenic (1 of 4 stars; one submission).

Conditions:
Charlevoix-Saguenay spastic ataxia (SACS). Also called: SPASTIC ATAXIA 6, AUTOSOMAL RECESSIVE; AUTOSOMAL RECESSIVE SPASTIC ATAXIA OF CHARLEVOIX-SAGUENAY; Spastic ataxia of Charlevoix-Saguenay. Identifiers: Orphanet 98, MedGen C1849140, MONDO:0010041, OMIM 270550.

Submission:

Myriad Genetics, Inc.
Classification: Likely pathogenic for Charlevoix-Saguenay spastic ataxia. Last evaluated: 2022-03-03. Review status: criteria provided, single submitter. Criteria: Myriad Women's Health Autosomal Recessive and X-Linked Classification Criteria (2021). Collection method: clinical testing. Allele origin: unknown.
Comment: NM_014363.4(SACS):c.1105_1106delAC(T369Lfs*16) is expected to be pathogenic in the context of autosomal recessive spastic ataxia of Charlevoix-Saguenay. This variant is predicted to lead to an abnormal or absent protein product due to the creation of a premature termination codon in SACS, a gene where loss-of-function variants are known to be pathogenic. Please note: this variant was assessed in the context of healthy population screening.

NM_014363.6(SACS):c.1105_1106del (p.Thr369fs)

Gene: SACS (sacsin molecular chaperone; minus strand). Cytogenetic location: 13q12.12.
Variant type: Deletion.
Coding change: c.1105_1106del on transcript NM_014363.6 (MANE Select); coding-DNA positions 1105 to 1106, 2 bases deleted (AC; older notation c.1105_1106delAC).
Protein change: p.Thr369fs; shifts the reading frame from threonine 369.
Molecular consequence: frameshift variant.
Genome position (GRCh38, 1-based): chr13:23,355,506-23,355,507, GT deleted on the plus strand (AC on the coding strand, the reverse complement: SACS is on the minus strand); deleting any 2 consecutive bases within chr13:23,355,506-23,355,508 gives the same sequence; the c. name uses the placement nearest the transcript's 3' end. VCF-style (leftmost placement, unchanged base first): chr13-23355505-GGT-G. GRCh37 (hg19) VCF-style: chr13-23929644-GGT-G.
Other names: c.664_665del, p.Thr222fs (NM_001278055.2); short protein forms T222fs, T369fs.
Identifiers: ClinVar variation 1724948 (VCV001724948.2), dbSNP rs2542399802, ClinGen allele CA2580086865.
Genomic context (GRCh38, chr13:23,355,505, plus strand): 5'-TTTCTGTGCATCCTTAGTACTCTCCTCTTCTAAAACAATATTTACGTGATATGTTACACA[GGT>G]GATGTTATTGCTTGGAGTCTTTTTACAATAGTTACTTATAGCAGTTCCCAGAATCTTTAT-3'